The following is an entry in ClinVar:

ClinVar aggregate classification (germline): Uncertain significance (1 of 4 stars; one submission).

Submission:

GeneDx
Classification: Uncertain significance. Last evaluated: 2024-11-01. Review status: criteria provided, single submitter. Criteria: GeneDx Variant Classification Process June 2021. Collection method: clinical testing. Allele origin: germline. Affected: yes.
Comment: Not observed at significant frequency in large population cohorts (gnomAD); In silico analysis indicates that this missense variant does not alter protein structure/function; Has not been previously published as pathogenic or benign to our knowledge

NM_004521.3(KIF5B):c.1948C>T (p.Leu650Phe)

Gene: KIF5B (kinesin family member 5B; minus strand). Cytogenetic location: 10p11.22.
Variant type: single nucleotide variant.
Coding change: c.1948C>T on transcript NM_004521.3 (MANE Select); coding-DNA position 1948, C replaced by T.
Protein change: p.Leu650Phe; replaces leucine 650 with phenylalanine.
Molecular consequence: missense variant.
Genome position (GRCh38, 1-based): chr10:32,022,224, G>A on the plus strand (C>T on the coding strand, the complement: KIF5B is on the minus strand). VCF-style: chr10-32022224-G-A. GRCh37 (hg19) VCF-style: chr10-32311152-G-A.
Other names: short protein forms L650F.
Identifiers: ClinVar variation 3897101 (VCV003897101.1).